The following is an entry in ClinVar:

ClinVar aggregate classification (germline): Uncertain significance (1 of 4 stars; one submission).

gnomAD v4.1: 1 of 1,614,088 alleles (0.000062%); highest among the groups gnomAD compares: African/African-American, 0.0013%; no homozygotes.

Submission:

Ambry Genetics
Classification: Uncertain significance. Last evaluated: 2026-04-01. Review status: criteria provided, single submitter. Criteria: Ambry Variant Classification Scheme 2023. Collection method: clinical testing. Allele origin: germline.
Comment: The c.389T>C (p.L130P) alteration is located in exon 4 (coding exon 4) of the ORM1 gene. This alteration results from a T to C substitution at nucleotide position 389, causing the leucine (L) at amino acid position 130 to be replaced by a proline (P). Based on data from gnomAD, the C allele has an overall frequency of 0.003% (1/31400) total alleles studied. The highest observed frequency was 0.012% (1/8704) of African alleles. Based on insufficient or conflicting evidence, the clinical significance of this alteration remains unclear.

NM_000607.4(ORM1):c.389T>C (p.Leu130Pro)

Gene: ORM1 (orosomucoid 1; plus strand). Cytogenetic location: 9q32.
Variant type: single nucleotide variant.
Coding change: c.389T>C on transcript NM_000607.4 (MANE Select); coding-DNA position 389, T replaced by C.
Protein change: p.Leu130Pro; replaces leucine 130 with proline.
Molecular consequence: missense variant.
Genome position (GRCh38, 1-based): chr9:114,324,850, T>C. VCF-style: chr9-114324850-T-C. GRCh37 (hg19) VCF-style: chr9-117087130-T-C.
Other names: short protein forms L130P.
Identifiers: ClinVar variation 4861434 (VCV004861434.1).